The following is an entry in ClinVar:

ClinVar aggregate classification (germline): Uncertain significance (1 of 4 stars; one submission).

gnomAD v4.1: 470 of 1,597,668 alleles (0.029%); highest among the groups gnomAD compares: Non-Finnish European, 0.037%; no homozygotes.

Submission:

CeGaT Center for Human Genetics Tuebingen
Classification: Uncertain significance. Last evaluated: 2024-12-01. Review status: criteria provided, single submitter. Criteria: CeGaT Center For Human Genetics Tuebingen Variant Classification Criteria Version 2. Collection method: clinical testing. Allele origin: germline. Affected: yes. Observed: 1 variant allele.
Comment: ITPR3: PP2

NM_002224.4(ITPR3):c.5521C>T (p.Arg1841Cys)

Gene: ITPR3 (inositol 1,4,5-trisphosphate receptor type 3; plus strand). Cytogenetic location: 6p21.31.
Variant type: single nucleotide variant.
Coding change: c.5521C>T on transcript NM_002224.4 (MANE Select); coding-DNA position 5521, C replaced by T.
Protein change: p.Arg1841Cys; replaces arginine 1841 with cysteine.
Molecular consequence: missense variant.
Genome position (GRCh38, 1-based): chr6:33,685,681, C>T. VCF-style: chr6-33685681-C-T. GRCh37 (hg19) VCF-style: chr6-33653458-C-T.
Other names: short protein forms R1841C.
Identifiers: ClinVar variation 3770715 (VCV003770715.13).